The following is an entry in ClinVar:

ClinVar aggregate classification (germline): Uncertain significance (1 of 4 stars; one submission).

Conditions:
Inborn genetic diseases. Identifiers: MedGen C0950123, MeSH D030342.

Submission:

Ambry Genetics
Classification: Uncertain significance for Inborn genetic diseases. Last evaluated: 2019-10-30. Review status: criteria provided, single submitter. Criteria: Ambry Variant Classification Scheme 2023. Collection method: clinical testing. Allele origin: germline.
Comment: The p.L30M variant (also known as c.88C>A), located in coding exon 1 of the SLC52A3 gene, results from a C to A substitution at nucleotide position 88. The leucine at codon 30 is replaced by methionine, an amino acid with highly similar properties. This amino acid position is well conserved in available vertebrate species. In addition, this alteration is predicted to be tolerated by in silico analysis. Since supporting evidence is limited at this time, the clinical significance of this alteration remains unclear.

NM_033409.4(SLC52A3):c.88C>A (p.Leu30Met)

Gene: SLC52A3 (solute carrier family 52 member 3; minus strand). Cytogenetic location: 20p13.
Variant type: single nucleotide variant.
Coding change: c.88C>A on transcript NM_033409.4 (MANE Select); coding-DNA position 88, C replaced by A.
Protein change: p.Leu30Met; replaces leucine 30 with methionine.
Molecular consequence: missense variant.
Genome position (GRCh38, 1-based): chr20:765,687, G>T on the plus strand (C>A on the coding strand, the complement: SLC52A3 is on the minus strand). VCF-style: chr20-765687-G-T. GRCh37 (hg19) VCF-style: chr20-746331-G-T.
Other names: c.88C>A, p.Leu30Met (NM_001370085.1, NM_001370086.1); short protein forms L30M.
Identifiers: ClinVar variation 1765036 (VCV001765036.2), dbSNP rs2514853205, ClinGen allele CA407964567.